The following is an entry in ClinVar:

NM_005267.5(GJA8):c.94T>A (p.Phe32Ile)

Gene: GJA8 (gap junction protein alpha 8; plus strand). Cytogenetic location: 1q21.2.
Variant type: single nucleotide variant.
Coding change: c.94T>A on transcript NM_005267.5 (MANE Select); coding-DNA position 94, T replaced by A.
Protein change: p.Phe32Ile; replaces phenylalanine 32 with isoleucine.
Molecular consequence: missense variant.
Genome position (GRCh38, 1-based): chr1:147,908,049, T>A. VCF-style: chr1-147908049-T-A. GRCh37 (hg19) VCF-style: chr1-147380176-T-A.
Other names: short protein forms F32I.
Identifiers: ClinVar variation 3253709 (VCV003253709.1), dbSNP rs2524888666.

ClinVar aggregate classification (germline): Uncertain significance (1 of 4 stars; one submission).

Conditions:
Cataract 1 multiple types. Also called: CATARACT, DUFFY-LINKED; CATARACT 1, POSTERIOR SUBCAPSULAR, WITH MICROCORNEA; CATARACT 1, STELLATE NUCLEAR, WITH MICROCORNEA; CATARACT 1, MULTIPLE TYPES, WITH OR WITHOUT MICROCORNEA; CATARACT 1, NUCLEAR PROGRESSIVE; CATARACT 1 WITH MICROCORNEA. Identifiers: Orphanet 1377, MedGen C1861828, MONDO:0007285, OMIM 116200.

Submission:

Dept. Genetics and Cancer, Menzies Institute for Medical Research, University of Tasmania
Classification: Uncertain significance for Cataract 1 multiple types. Last evaluated: 2023-01-21. Review status: criteria provided, single submitter. Criteria: ACMG Guidelines, 2015. Collection method: curation. Allele origin: germline. Affected: yes.
Comment: Variant identified and curated during a GJA8 specific review of the literature in relation to pediatric or congenital cataract. ACMG-AMP criteria applied: PM1(Supporting), PM2(Supporting), PP1, PP3. Original variant report: PMID:27990357. The cataract phenotype reported for this variant is: Total. Gene review and curation guidelines are outlined in: DOI 10.1080/17469899.2023.2160320

Literature cited by the submitters: PubMed 27990357.